The following is an entry in ClinVar:

NM_183357.3(ADCY5):c.2042A>G (p.Tyr681Cys)

Gene: ADCY5 (adenylate cyclase 5; minus strand). Cytogenetic location: 3q21.1.
Variant type: single nucleotide variant.
Coding change: c.2042A>G on transcript NM_183357.3 (MANE Select); coding-DNA position 2042, A replaced by G.
Protein change: p.Tyr681Cys; replaces tyrosine 681 with cysteine.
Molecular consequence: missense variant.
Genome position (GRCh38, 1-based): chr3:123,325,368, T>C on the plus strand (A>G on the coding strand, the complement: ADCY5 is on the minus strand). VCF-style: chr3-123325368-T-C. GRCh37 (hg19) VCF-style: chr3-123044215-T-C.
Other names: c.992A>G, p.Tyr331Cys (NM_001199642.1); c.2042A>G, p.Tyr681Cys (NM_001378259.1); short protein forms Y331C, Y681C.
Identifiers: ClinVar variation 4829917 (VCV004829917.1).

ClinVar aggregate classification (germline): Uncertain significance (1 of 4 stars; one submission).

Conditions:
Inborn genetic diseases. Identifiers: MedGen C0950123, MeSH D030342.

gnomAD v4.1: 46 of 1,614,036 alleles (0.0028%); highest among the groups gnomAD compares: African/African-American, 0.019%; no homozygotes.

Submission:

Ambry Genetics
Classification: Uncertain significance for Inborn genetic diseases. Last evaluated: 2026-01-14. Review status: criteria provided, single submitter. Criteria: Ambry Variant Classification Scheme 2023. Collection method: clinical testing. Allele origin: germline.
Comment: The c.2042A>G (p.Y681C) alteration is located in exon 8 (coding exon 8) of the ADCY5 gene. This alteration results from a A to G substitution at nucleotide position 2042, causing the tyrosine (Y) at amino acid position 681 to be replaced by a cysteine (C). Based on data from gnomAD, the G allele has an overall frequency of 0.004% (10/282860) total alleles studied. The highest observed frequency was 0.016% (4/24972) of African alleles. Based on insufficient or conflicting evidence, the clinical significance of this alteration remains unclear.